The following is an entry in ClinVar:

NM_020184.4(CNNM4):c.1985C>T (p.Ser662Leu)

Gene: CNNM4 (cyclin and CBS domain divalent metal cation transport mediator 4; plus strand). Cytogenetic location: 2q11.2.
Variant type: single nucleotide variant.
Coding change: c.1985C>T on transcript NM_020184.4 (MANE Select); coding-DNA position 1985, C replaced by T.
Protein change: p.Ser662Leu; replaces serine 662 with leucine.
Molecular consequence: missense variant.
Genome position (GRCh38, 1-based): chr2:96,808,597, C>T. VCF-style: chr2-96808597-C-T. GRCh37 (hg19) VCF-style: chr2-97474334-C-T.
Other names: short protein forms S662L.
Identifiers: ClinVar variation 1016446 (VCV001016446.10), dbSNP rs770616265, ClinGen allele CA347708525.

ClinVar aggregate classification (germline): Uncertain significance (1 of 4 stars; one submission).

Allele frequency attached by ClinVar (database versions not stated): TOPMed below 0.00001.

Submission:

Labcorp Genetics (formerly Invitae), Labcorp
Classification: Uncertain significance. Last evaluated: 2022-02-12. Review status: criteria provided, single submitter. Criteria: Invitae Variant Classification Sherloc (09022015). Collection method: clinical testing. Allele origin: germline.
Comment: ClinVar contains an entry for this variant (Variation ID: 1016446). Algorithms developed to predict the effect of missense changes on protein structure and function are either unavailable or do not agree on the potential impact of this missense change (SIFT: "Deleterious"; PolyPhen-2: "Possibly Damaging"; Align-GVGD: "Class C15"). In summary, the available evidence is currently insufficient to determine the role of this variant in disease. Therefore, it has been classified as a Variant of Uncertain Significance. This variant has not been reported in the literature in individuals affected with CNNM4-related conditions. This variant is not present in population databases (gnomAD no frequency). This sequence change replaces serine, which is neutral and polar, with leucine, which is neutral and non-polar, at codon 662 of the CNNM4 protein (p.Ser662Leu).